The following is an entry in ClinVar:

ClinVar aggregate classification (germline): Uncertain significance. Review status: criteria provided, multiple submitters, no conflicts (2 of 4 stars). 5 submissions from 5 submitters: Uncertain significance (5). Last evaluated 2025-12-03.

Conditions:
Hereditary cancer-predisposing syndrome. Also called: Tumor predisposition; Hereditary Cancer Syndrome; Neoplastic Syndromes, Hereditary; Hereditary neoplastic syndrome. Identifiers: Orphanet 140162, MedGen C0027672, MeSH D009386, MONDO:0015356.
Neuroblastoma, susceptibility to, 3. Also called: ALK-Related Neuroblastic Tumor Susceptibility. Identifiers: Orphanet 635, MedGen C2751681, MONDO:0013083, OMIM 613014.

Allele frequency attached by ClinVar (database versions not stated): gnomAD 0.00001 and 0.00003; gnomAD exomes 0.00002; TOPMed 0.00002; ExAC 0.00003; 1000 Genomes Project 0.00040; 1000 Genomes Project 30x 0.00047.
gnomAD v4.1: 86 of 1,613,718 alleles (0.0053%); highest among the groups gnomAD compares: East Asian, 0.018%; 1 homozygote.

Submissions (5):

Labcorp Genetics (formerly Invitae), Labcorp
Classification: Uncertain significance for Neuroblastoma, susceptibility to, 3. Last evaluated: 2025-12-03. Review status: criteria provided, single submitter. Criteria: Invitae Variant Classification Sherloc (09022015). Collection method: clinical testing. Allele origin: germline.
Comment: This sequence change replaces alanine, which is neutral and non-polar, with valine, which is neutral and non-polar, at codon 1280 of the ALK protein (p.Ala1280Val). This variant is present in population databases (rs74716434, gnomAD 0.006%). This variant has not been reported in the literature in individuals affected with ALK-related conditions. ClinVar contains an entry for this variant (Variation ID: 335691). An algorithm developed to predict the effect of missense changes on protein structure and function (PolyPhen-2) suggests that this variant is likely to be disruptive. In summary, the available evidence is currently insufficient to determine the role of this variant in disease. Therefore, it has been classified as a Variant of Uncertain Significance.

Ambry Genetics
Classification: Uncertain significance for Hereditary cancer-predisposing syndrome. Last evaluated: 2024-02-06. Review status: criteria provided, single submitter. Criteria: Ambry Variant Classification Scheme 2023. Collection method: clinical testing. Allele origin: germline.
Comment: The p.A1280V variant (also known as c.3839C>T), located in coding exon 26 of the ALK gene, results from a C to T substitution at nucleotide position 3839. The alanine at codon 1280 is replaced by valine, an amino acid with similar properties. This amino acid position is highly conserved in available vertebrate species. In addition, the in silico prediction for this alteration is inconclusive. Since supporting evidence is limited at this time, the clinical significance of this alteration remains unclear.

Baylor Genetics
Classification: Uncertain significance for Neuroblastoma, susceptibility to, 3. Last evaluated: 2023-09-08. Review status: criteria provided, single submitter. Criteria: ACMG Guidelines, 2015. Collection method: clinical testing. Allele origin: unknown.

GeneDx
Classification: Uncertain significance. Last evaluated: 2023-04-06. Review status: criteria provided, single submitter. Criteria: GeneDx Variant Classification Process June 2021. Collection method: clinical testing. Allele origin: germline. Affected: yes.
Comment: In silico analysis supports that this missense variant has a deleterious effect on protein structure/function; Has not been previously published as pathogenic or benign to our knowledge; This variant is associated with the following publications: (PMID: 28741662, 33435440)

Sema4
Classification: Uncertain significance for Hereditary cancer-predisposing syndrome. Last evaluated: 2021-12-11. Review status: criteria provided, single submitter. Criteria: Sema4 Curation Guidelines. Collection method: curation. Allele origin: germline.
Comment: The ALK c.3839C>T (p.A1280V) variant has not been reported in the literature to our knowledge. It was observed in 7/128862 chromosomes of the Non-Finnish European subpopulation in the large and broad cohorts of the Genome Aggregation Database (PMID: 32461654). This variant has been reported in ClinVar (Variation ID 335691). Functional studies have not been performed, and in silico predictions of the variant's effect on protein function are inconclusive. The evidence is insufficient to meet ACMG/AMP criteria for classifying the variant as benign or pathogenic. Thus, the clinical significance of this variant is currently uncertain.

NM_004304.5(ALK):c.3839C>T (p.Ala1280Val)

Gene: ALK (ALK receptor tyrosine kinase; minus strand). Cytogenetic location: 2p23.2.
Variant type: single nucleotide variant.
Coding change: c.3839C>T on transcript NM_004304.5 (MANE Select); coding-DNA position 3839, C replaced by T.
Protein change: p.Ala1280Val; replaces alanine 1280 with valine.
Molecular consequence: missense variant.
Genome position (GRCh38, 1-based): chr2:29,207,270, G>A on the plus strand (C>T on the coding strand, the complement: ALK is on the minus strand). VCF-style: chr2-29207270-G-A. GRCh37 (hg19) VCF-style: chr2-29430136-G-A.
Other names: c.635C>T, p.Ala212Val (NM_001353765.2); short protein forms A1280V, A212V.
Identifiers: ClinVar variation 335691 (VCV000335691.20), dbSNP rs74716434, ClinGen allele CA1593742.